The following is an entry in ClinVar:

ClinVar aggregate classification (germline): Uncertain significance (1 of 4 stars; one submission).

Conditions:
Emery-Dreifuss muscular dystrophy 5, autosomal dominant (EDMD5). Also called: EMERY-DREIFUSS MUSCULAR DYSTROPHY 5. Identifiers: Orphanet 261, MedGen C2751805, MONDO:0013072, OMIM 612999.

Submission:

Labcorp Genetics (formerly Invitae), Labcorp
Classification: Uncertain significance for Emery-Dreifuss muscular dystrophy 5, autosomal dominant. Last evaluated: 2021-04-23. Review status: criteria provided, single submitter. Criteria: Invitae Variant Classification Sherloc (09022015). Collection method: clinical testing. Allele origin: germline.
Comment: This sequence change creates a premature translational stop signal (p.Glu3028Lysfs*25) in the SYNE2 gene. It is expected to result in an absent or disrupted protein product. However, the current clinical and genetic evidence is not sufficient to establish whether loss-of-function variants in SYNE2 cause disease. In summary, the available evidence is currently insufficient to determine the role of this variant in disease. Therefore, it has been classified as a Variant of Uncertain Significance. This variant has not been reported in the literature in individuals with SYNE2-related conditions. This variant is not present in population databases (ExAC no frequency).

NM_182914.3(SYNE2):c.9081del (p.Glu3028fs)

Gene: SYNE2 (spectrin repeat containing nuclear envelope protein 2; plus strand). Cytogenetic location: 14q23.2.
Variant type: Deletion.
Coding change: c.9081del on transcript NM_182914.3 (MANE Select); coding-DNA position 9081, one base deleted (A; older notation c.9081delA).
Protein change: p.Glu3028fs; shifts the reading frame from glutamic acid 3028.
Molecular consequence: frameshift variant.
Genome position (GRCh38, 1-based): chr14:64,052,994, A deleted; the last of 5 consecutive A bases (chr14:64,052,990-64,052,994); deleting any one gives the same sequence. VCF-style (leftmost placement, unchanged base first): chr14-64052989-GA-G. GRCh37 (hg19) VCF-style: chr14-64519707-GA-G.
Other names: c.9081del, p.Glu3028fs (NM_015180.6); short protein forms E3028fs.
Identifiers: ClinVar variation 1348212 (VCV001348212.6), dbSNP rs1253969126, ClinGen allele CA707680496.
Genomic context (GRCh38, chr14:64,052,989, plus strand): 5'-GACTATATTGGACTAAACTGGGATTTTTCACAACTTGACCAATTACAAACCCAAGTATTT[GA>G]AAAAGAAAAGGAACTTGAAGAAAAAATTAAGCAGTTGGACACATTTGAGGAAGAACATGG-3'